The following is an entry in ClinVar:

NM_000492.4(CFTR):c.1819A>G (p.Met607Val)

Gene: CFTR (CF transmembrane conductance regulator; plus strand). Cytogenetic location: 7q31.2.
Variant type: single nucleotide variant.
Coding change: c.1819A>G on transcript NM_000492.4 (MANE Select); coding-DNA position 1819, A replaced by G.
Protein change: p.Met607Val; replaces methionine 607 with valine.
Molecular consequence: missense variant.
Genome position (GRCh38, 1-based): chr7:117,591,986, A>G. VCF-style: chr7-117591986-A-G. GRCh37 (hg19) VCF-style: chr7-117232040-A-G.
Other names: short protein forms M607V.
Identifiers: ClinVar variation 4001856 (VCV004001856.1).

ClinVar aggregate classification (germline): Uncertain significance (1 of 4 stars; one submission).

Conditions:
Cystic fibrosis (CF). Also called: MUCOVISCIDOSIS. Identifiers: Orphanet 586, MedGen C0010674, MONDO:0009061, OMIM 219700. Disease mechanism: loss of function.

Submission:

Ambry Genetics
Classification: Uncertain significance for Cystic fibrosis. Last evaluated: 2025-05-03. Review status: criteria provided, single submitter. Criteria: Ambry Variant Classification Scheme 2023. Collection method: clinical testing. Allele origin: germline.
Comment: The p.M607V variant (also known as c.1819A>G), located in coding exon 14 of the CFTR gene, results from an A to G substitution at nucleotide position 1819. The methionine at codon 607 is replaced by valine, an amino acid with highly similar properties. This amino acid position is conserved. In addition, this alteration is predicted to be tolerated by in silico analysis. Based on the available evidence, the clinical significance of this variant remains unclear.